The following is an entry in ClinVar:

NM_001277115.2(DNAH11):c.133G>A (p.Ala45Thr)

Gene: DNAH11 (dynein axonemal heavy chain 11; plus strand). Cytogenetic location: 7p15.3.
Variant type: single nucleotide variant.
Coding change: c.133G>A on transcript NM_001277115.2 (MANE Select); coding-DNA position 133, G replaced by A.
Protein change: p.Ala45Thr; replaces alanine 45 with threonine.
Molecular consequence: missense variant.
Genome position (GRCh38, 1-based): chr7:21,543,378, G>A. VCF-style: chr7-21543378-G-A. GRCh37 (hg19) VCF-style: chr7-21582996-G-A.
Other names: c.133G>A (NM_003777.3); short protein forms A45T.
Identifiers: ClinVar variation 935603 (VCV000935603.11), dbSNP rs772333047, ClinGen allele CA4178620.
Genomic context (GRCh38, chr7:21,543,378, plus strand): 5'-GCCGGCCTGGAGGCAGTGGGCGCTGTGGAGCTCGAGGAGGAGGAGGAGAACGAGGAGGAG[G>A]CGGCGGCCAGGAGAGCGCGGAGTTTCGCCCAAGACGCGCGGGTGCGCTTCCTCGGCGGCC-3'
Protein context (NP_001264044.1, residues 35-55): LEEEEENEEE[Ala45Thr]AARRARSFAQ

ClinVar aggregate classification (germline): Conflicting classifications of pathogenicity. Review status: criteria provided, conflicting classifications (1 of 4 stars). 2 submissions from 2 submitters: Uncertain significance (1); Benign (1). Last evaluated 2025-11-09.

Conditions:
Primary ciliary dyskinesia. Also called: Ciliary dyskinesia. Identifiers: Orphanet 244, MedGen C0008780, MONDO:0016575, HP:0012265.

Allele frequency attached by ClinVar (database versions not stated): gnomAD exomes 0.00004 and 0.00011; ExAC 0.00005; gnomAD 0.00008 and 0.00009; TOPMed 0.00011; 1000 Genomes Project 30x 0.00031.
gnomAD v4.1: 159 of 1,551,540 alleles (0.01%); highest among the groups gnomAD compares: African/African-American, 0.014%; no homozygotes.

Submissions (2):

Labcorp Genetics (formerly Invitae), Labcorp
Classification: Benign for Primary ciliary dyskinesia. Last evaluated: 2025-11-09. Review status: criteria provided, single submitter. Criteria: Invitae Variant Classification Sherloc (09022015). Collection method: clinical testing. Allele origin: germline.

Ambry Genetics
Classification: Uncertain significance for Primary ciliary dyskinesia. Last evaluated: 2015-02-06. Review status: criteria provided, single submitter. Criteria: Ambry Variant Classification Scheme 2023. Collection method: clinical testing. Allele origin: germline.
Comment: The p.A45T variant (also known as c.133G>A), located in coding exon 1 of the DNAH11 gene, results from a G to A substitution at nucleotide position 133. The alanine at codon 45 is replaced by threonine, an amino acid with similar properties. This variant was not reported in population based cohorts in the following databases: Database of Single Nucleotide Polymorphisms (dbSNP), NHLBI Exome Sequencing Project (ESP), and 1000 Genomes Project.; however this position was not covered in the ESP. This amino acid position is well conserved in available vertebrate species. In addition, this alteration is predicted to be tolerated by in silico analysis. Since supporting evidence is limited at this time, the clinical significance of this variant remains unclear